The following is an entry in ClinVar:

ClinVar aggregate classification (germline): Likely pathogenic (1 of 4 stars; one submission).

Conditions:
Myopathy, tubular aggregate, 2 (TAM2). Identifiers: MedGen C4014557, MONDO:0014383, OMIM 615883.
Combined immunodeficiency due to ORAI1 deficiency. Also called: IMMUNODEFICIENCY 9. Identifiers: Orphanet 169090, Orphanet 317428, MedGen C2748568, MONDO:0013007, OMIM 612782.

Submission:

Labcorp Genetics (formerly Invitae), Labcorp
Classification: Likely pathogenic for Myopathy, tubular aggregate, 2; Combined immunodeficiency due to ORAI1 deficiency. Last evaluated: 2021-10-08. Review status: criteria provided, single submitter. Criteria: Invitae Variant Classification Sherloc (09022015). Collection method: clinical testing. Allele origin: germline.
Comment: In summary, the currently available evidence indicates that the variant is pathogenic, but additional data are needed to prove that conclusively. Therefore, this variant has been classified as Likely Pathogenic. This variant disrupts the STIM1 binding domain of the ORAI1 protein, which regulates calcium influx (PMID: 26138675, 23447534, 23613525). While functional studies have not been performed to directly test the effect of this variant on ORAI1 protein function, this suggests that disruption of this region of the protein is causative of disease. This variant has not been reported in the literature in individuals affected with ORAI1-related conditions. This variant is not present in population databases (ExAC no frequency). This sequence change creates a premature translational stop signal (p.Ile251Tyrfs*13) in the ORAI1 gene. While this is not anticipated to result in nonsense mediated decay, it is expected to disrupt the last 51 amino acid(s) of the ORAI1 protein.

Literature cited by the submitters: PubMed 26138675; PubMed 23447534; PubMed 23613525.

NM_032790.4(ORAI1):c.750dup (p.Ile251Tyrfs)

Gene: ORAI1 (ORAI calcium release-activated calcium modulator 1; plus strand). Cytogenetic location: 12q24.31.
Variant type: Duplication.
Coding change: c.750dup on transcript NM_032790.4 (MANE Select); coding-DNA position 750, one base duplicated (T; older notation c.750dupT).
Protein change: p.Ile251Tyrfs; shifts the reading frame from isoleucine 251.
Genome position (GRCh38, 1-based): chr12:121,641,487, T duplicated; the last of 3 consecutive T bases (chr12:121,641,485-121,641,487); duplicating any one gives the same sequence. VCF-style (leftmost placement, unchanged base first): chr12-121641484-C-CT. GRCh37 (hg19) VCF-style: chr12-122079390-C-CT.
Other names: short protein forms I251fs.
Identifiers: ClinVar variation 1464680 (VCV001464680.6), dbSNP rs1265366427, ClinGen allele CA684510128.
Genomic context (GRCh38, chr12:121,641,484, plus strand): 5'-CACCCCGGGCCAGGCAGCTGCCATCGCCTCGACCACCATCATGGTGCCCTTCGGCCTGAT[C>CT]TTTATCGTCTTCGCCGTCCACTTCTACCGCTCACTGGTTAGCCATAAGACTGACCGACAG-3'